The following is an entry in ClinVar:

NM_000368.5(TSC1):c.1518del (p.Tyr508fs)

Gene: TSC1 (TSC complex subunit 1; minus strand). Cytogenetic location: 9q34.13.
Variant type: Deletion.
Coding change: c.1518del on transcript NM_000368.5 (MANE Select); coding-DNA position 1518, one base deleted (C; older notation c.1518delC).
Protein change: p.Tyr508fs; shifts the reading frame from tyrosine 508.
Molecular consequence: frameshift variant.
Genome position (GRCh38, 1-based): chr9:132,906,060, G deleted on the plus strand (C on the coding strand, the reverse complement: TSC1 is on the minus strand); the first of 3 consecutive G bases (chr9:132,906,060-132,906,062); deleting any one gives the same sequence. VCF-style (leftmost placement, unchanged base first): chr9-132906059-AG-A. GRCh37 (hg19) VCF-style: chr9-135781446-AG-A.
Other names: c.1518delC (NM_000368.4); c.1515del, p.Tyr507fs (NM_001162426.2); c.1365del, p.Tyr457fs (NM_001162427.2); c.1155del, p.Tyr387fs (NM_001362177.2); short protein forms Y387fs, Y457fs, Y507fs, Y508fs.
Identifiers: ClinVar variation 411251 (VCV000411251.9), dbSNP rs1060503210, ClinGen allele CA16612461.

ClinVar aggregate classification (germline): Pathogenic (1 of 4 stars; one submission).

Conditions:
Tuberous sclerosis 1 (TSC1). Identifiers: Orphanet 805, MedGen C1854465, MONDO:0008612, OMIM 191100.

Submission:

Labcorp Genetics (formerly Invitae), Labcorp
Classification: Pathogenic for Tuberous sclerosis 1. Last evaluated: 2024-10-15. Review status: criteria provided, single submitter. Criteria: Invitae Variant Classification Sherloc (09022015). Collection method: clinical testing. Allele origin: germline.
Comment: This sequence change creates a premature translational stop signal (p.Tyr508Thrfs*24) in the TSC1 gene. It is expected to result in an absent or disrupted protein product. Loss-of-function variants in TSC1 are known to be pathogenic (PMID: 10227394, 17304050). This variant is not present in population databases (gnomAD no frequency). This premature translational stop signal has been observed in individual(s) with tuberous sclerosis complex (PMID: 29432982). ClinVar contains an entry for this variant (Variation ID: 411251). For these reasons, this variant has been classified as Pathogenic.

Literature cited by the submitters: PubMed 10227394; PubMed 17304050; PubMed 29432982.